The following is an entry in ClinVar:

ClinVar aggregate classification (germline): Uncertain significance (1 of 4 stars; one submission).

Conditions:
Von Hippel-Lindau syndrome (VHLS). Also called: Von Hippel-Lindau; von Hippel–Lindau syndrome; VHL syndrome. Identifiers: Orphanet 892, MedGen C0019562, MONDO:0008667, OMIM 193300. Disease mechanism: loss of function.
Chuvash polycythemia. Also called: POLYCYTHEMIA, VHL-DEPENDENT. Identifiers: Orphanet 238557, MedGen C1837915, MONDO:0009892, OMIM 263400.

Submission:

Labcorp Genetics (formerly Invitae), Labcorp
Classification: Uncertain significance for Von Hippel-Lindau syndrome; Chuvash polycythemia. Last evaluated: 2022-07-27. Review status: criteria provided, single submitter. Criteria: Invitae Variant Classification Sherloc (09022015). Collection method: clinical testing. Allele origin: germline.
Comment: This sequence change falls in intron 1 of the VHL gene. It is not expected to change the encoded amino acid sequence of the VHL protein. However, this sequence change falls within a cryptic exon in the VHL gene, known as exon E1’, which is naturally expressed at low levels in several human tissues (PMID: 29891534). This variant is not present in population databases (gnomAD no frequency). This variant has not been reported in the literature in individuals affected with VHL-related conditions. ClinVar contains an entry for this variant (Variation ID: 1482208). Algorithms developed to predict the effect of sequence changes on RNA splicing suggest that this variant is not likely to affect RNA splicing. In summary, the available evidence is currently insufficient to determine the role of this variant in disease. Therefore, it has been classified as a Variant of Uncertain Significance.

Literature cited by the submitters: PubMed 29891534.

NM_000551.4(VHL):c.340+625G>A

Genes: VHL (von Hippel-Lindau tumor suppressor; plus strand), LOC107303340 (3p25 von Hippel-Lindau tumor suppressor, E3 ubiquitin protein ligase Alu-mediated recombination region; plus strand). Cytogenetic location: 3p25.3.
Variant type: single nucleotide variant.
Coding change: c.340+625G>A on transcript NM_000551.4 (MANE Select); 625 bases into the intron after coding-DNA position 340, G replaced by A.
Molecular consequence: intron variant. On other transcripts: synonymous variant (1).
Genome position (GRCh38, 1-based): chr3:10,142,812, G>A. VCF-style: chr3-10142812-G-A. GRCh37 (hg19) VCF-style: chr3-10184496-G-A.
Other names: c.390G>A, p.Glu130= (NM_001354723.2); c.340+625G>A (NM_198156.3).
Identifiers: ClinVar variation 1482208 (VCV001482208.8), dbSNP rs2125125893, ClinGen allele CA2573136100.